The following is an entry in ClinVar:

ClinVar aggregate classification (germline): Uncertain significance (1 of 4 stars; one submission).

gnomAD v4.1: 1 of 1,613,086 alleles (0.000062%); highest among the groups gnomAD compares: Admixed American, 0.0017%; no homozygotes.

Submission:

Women's Health and Genetics/Laboratory Corporation of America, LabCorp
Classification: Uncertain significance. Last evaluated: 2025-03-21. Review status: criteria provided, single submitter. Criteria: LabCorp Variant Classification Summary - May 2015. Collection method: clinical testing. Allele origin: germline.
Comment: Variant summary: GABBR1 c.398C>T (p.Pro133Leu) results in a non-conservative amino acid change in the encoded protein sequence. Three of five in-silico tools predict a benign effect of the variant on protein function. The variant allele was found at a frequency of 4.1e-06 in 246526 control chromosomes. The available data on variant occurrences in the general population are insufficient to allow any conclusion about variant significance. To our knowledge, no occurrence of c.398C>T in individuals affected with Neurodevelopmental Disorder With Language Delay And Variable Cognitive Abnormalities and no experimental evidence demonstrating its impact on protein function have been reported. No submitters have cited clinical-significance assessments for this variant to ClinVar. Based on the evidence outlined above, the variant was classified as uncertain significance.

NM_001470.4(GABBR1):c.398C>T (p.Pro133Leu)

Gene: GABBR1 (gamma-aminobutyric acid type B receptor subunit 1; minus strand). Cytogenetic location: 6p22.1.
Variant type: single nucleotide variant.
Coding change: c.398C>T on transcript NM_001470.4 (MANE Select); coding-DNA position 398, C replaced by T.
Protein change: p.Pro133Leu; replaces proline 133 with leucine.
Molecular consequence: missense variant. On other transcripts: 5 prime UTR variant (1), intron variant (1).
Genome position (GRCh38, 1-based): chr6:29,630,535, G>A on the plus strand (C>T on the coding strand, the complement: GABBR1 is on the minus strand). VCF-style: chr6-29630535-G-A. GRCh37 (hg19) VCF-style: chr6-29598312-G-A.
Other names: c.-70C>T (NM_001319053.2); c.289+861C>T (NM_021904.4); short protein forms P133L.
Identifiers: ClinVar variation 3896026 (VCV003896026.1).